The following is an entry in ClinVar:

ClinVar aggregate classification (germline): Uncertain significance (1 of 4 stars; one submission).

gnomAD v4.1: 2 of 1,613,858 alleles (0.00012%); highest among the groups gnomAD compares: South Asian, 0.0022%; no homozygotes.

Submission:

Labcorp Genetics (formerly Invitae), Labcorp
Classification: Uncertain significance. Last evaluated: 2024-04-25. Review status: criteria provided, single submitter. Criteria: Invitae Variant Classification Sherloc (09022015). Collection method: clinical testing. Allele origin: germline.
Comment: This sequence change replaces leucine, which is neutral and non-polar, with valine, which is neutral and non-polar, at codon 169 of the GPC6 protein (p.Leu169Val). This variant is not present in population databases (gnomAD no frequency). This variant has not been reported in the literature in individuals affected with GPC6-related conditions. Advanced modeling of protein sequence and biophysical properties (such as structural, functional, and spatial information, amino acid conservation, physicochemical variation, residue mobility, and thermodynamic stability) performed at Invitae indicates that this missense variant is not expected to disrupt GPC6 protein function with a negative predictive value of 80%. In summary, the available evidence is currently insufficient to determine the role of this variant in disease. Therefore, it has been classified as a Variant of Uncertain Significance.

NM_005708.5(GPC6):c.505C>G (p.Leu169Val)

Genes: GPC6 (glypican 6; plus strand), GPC6-AS2 (GPC6 antisense RNA 2; minus strand). Cytogenetic location: 13q31.3.
Variant type: single nucleotide variant.
Coding change: c.505C>G on transcript NM_005708.5 (MANE Select); coding-DNA position 505, C replaced by G.
Protein change: p.Leu169Val; replaces leucine 169 with valine.
Molecular consequence: missense variant.
Genome position (GRCh38, 1-based): chr13:93,830,339, C>G. VCF-style: chr13-93830339-C-G. GRCh37 (hg19) VCF-style: chr13-94482592-C-G.
Other names: short protein forms L169V.
Identifiers: ClinVar variation 3647047 (VCV003647047.2).